The following is an entry in ClinVar:

NM_005228.5(EGFR):c.722C>T (p.Thr241Ile)

Gene: EGFR (epidermal growth factor receptor; plus strand). Cytogenetic location: 7p11.2.
Variant type: single nucleotide variant.
Coding change: c.722C>T on transcript NM_005228.5 (MANE Select); coding-DNA position 722, C replaced by T.
Protein change: p.Thr241Ile; replaces threonine 241 with isoleucine.
Molecular consequence: missense variant. On other transcripts: intron variant (1).
Genome position (GRCh38, 1-based): chr7:55,152,639, C>T. VCF-style: chr7-55152639-C-T. GRCh37 (hg19) VCF-style: chr7-55220332-C-T.
Other names: c.722C>T (NM_005228.3); c.587C>T, p.Thr196Ile (NM_001346897.2, NM_001346899.2); c.722C>T, p.Thr241Ile (NM_001346898.2, NM_201282.2, NM_201283.2 and 1 more transcripts); c.563C>T, p.Thr188Ile (NM_001346900.2); c.89-3191C>T (NM_001346941.2); short protein forms T188I, T196I, T241I.
Identifiers: ClinVar variation 999621 (VCV000999621.9), dbSNP rs370744986, ClinGen allele CA158910928.

ClinVar aggregate classification (germline): Uncertain significance. Review status: criteria provided, multiple submitters, no conflicts (2 of 4 stars). 2 submissions from 2 submitters: Uncertain significance (2). Last evaluated 2025-12-31.

Conditions:
Hereditary cancer-predisposing syndrome. Also called: Neoplastic Syndromes, Hereditary; Tumor predisposition; Hereditary Cancer Syndrome; Hereditary neoplastic syndrome. Identifiers: Orphanet 140162, MedGen C0027672, MeSH D009386, MONDO:0015356.
EGFR-related lung cancer (EGFR). Identifiers: MedGen CN130014.

Allele frequency attached by ClinVar (database versions not stated): gnomAD 0.00001; gnomAD exomes 0.00001; TOPMed 0.00002; ESP Exome Variant Server 0.00008.
gnomAD v4.1: 6 of 1,613,698 alleles (0.00037%); highest among the groups gnomAD compares: Non-Finnish European, 0.00051%; no homozygotes.

Submissions (2):

Labcorp Genetics (formerly Invitae), Labcorp
Classification: Uncertain significance for EGFR-related lung cancer. Last evaluated: 2025-12-31. Review status: criteria provided, single submitter. Criteria: Invitae Variant Classification Sherloc (09022015). Collection method: clinical testing. Allele origin: germline.
Comment: This sequence change replaces threonine, which is neutral and polar, with isoleucine, which is neutral and non-polar, at codon 241 of the EGFR protein (p.Thr241Ile). This variant is present in population databases (rs370744986, gnomAD 0.002%). This variant has not been reported in the literature in individuals affected with EGFR-related conditions. ClinVar contains an entry for this variant (Variation ID: 999621). Invitae Evidence Modeling of protein sequence and biophysical properties (such as structural, functional, and spatial information, amino acid conservation, physicochemical variation, residue mobility, and thermodynamic stability) indicates that this missense variant is not expected to disrupt EGFR protein function with a negative predictive value of 80%. In summary, the available evidence is currently insufficient to determine the role of this variant in disease. Therefore, it has been classified as a Variant of Uncertain Significance.

Ambry Genetics
Classification: Uncertain significance for Hereditary cancer-predisposing syndrome. Last evaluated: 2025-02-12. Review status: criteria provided, single submitter. Criteria: Ambry Variant Classification Scheme 2023. Collection method: clinical testing. Allele origin: germline.
Comment: The p.T241I variant (also known as c.722C>T), located in coding exon 6 of the EGFR gene, results from a C to T substitution at nucleotide position 722. The threonine at codon 241 is replaced by isoleucine, an amino acid with similar properties. This amino acid position is highly conserved in available vertebrate species. In addition, the in silico prediction for this alteration is inconclusive. Based on the available evidence, the clinical significance of this variant remains unclear.